The following is an entry in ClinVar:

ClinVar aggregate classification (germline): Uncertain significance (1 of 4 stars; one submission).

Allele frequency attached by ClinVar (database versions not stated): TOPMed 0.00001.

Submission:

Labcorp Genetics (formerly Invitae), Labcorp
Classification: Uncertain significance. Last evaluated: 2021-11-19. Review status: criteria provided, single submitter. Criteria: Invitae Variant Classification Sherloc (09022015). Collection method: clinical testing. Allele origin: germline.
Comment: In summary, the available evidence is currently insufficient to determine the role of this variant in disease. Therefore, it has been classified as a Variant of Uncertain Significance. Algorithms developed to predict the effect of sequence changes on RNA splicing suggest that this variant may create or strengthen a splice site. Algorithms developed to predict the effect of missense changes on protein structure and function are either unavailable or do not agree on the potential impact of this missense change (SIFT: "Tolerated"; PolyPhen-2: "Possibly Damaging"; Align-GVGD: "Class C0"). This variant has not been reported in the literature in individuals affected with IRF2BP2-related conditions. This variant is not present in population databases (gnomAD no frequency). This sequence change replaces alanine, which is neutral and non-polar, with valine, which is neutral and non-polar, at codon 113 of the IRF2BP2 protein (p.Ala113Val).

NM_182972.3(IRF2BP2):c.338C>T (p.Ala113Val)

Genes: IRF2BP2 (interferon regulatory factor 2 binding protein 2; minus strand), LOC129932812 (ATAC-STARR-seq lymphoblastoid silent region 1977; plus strand). Cytogenetic location: 1q42.3.
Variant type: single nucleotide variant.
Coding change: c.338C>T on transcript NM_182972.3 (MANE Select); coding-DNA position 338, C replaced by T.
Protein change: p.Ala113Val; replaces alanine 113 with valine.
Molecular consequence: missense variant.
Genome position (GRCh38, 1-based): chr1:234,609,157, G>A on the plus strand (C>T on the coding strand, the complement: IRF2BP2 is on the minus strand). VCF-style: chr1-234609157-G-A. GRCh37 (hg19) VCF-style: chr1-234744903-G-A.
Other names: c.338C>T, p.Ala113Val (NM_001077397.1); short protein forms A113V.
Identifiers: ClinVar variation 1413375 (VCV001413375.6), dbSNP rs1235539117, ClinGen allele CA345311077.
Genomic context (GRCh38, chr1:234,609,157, plus strand): 5'-AAGTCAGAGCCGAGGCGCGGGGGCCTCTCGGCCGCGGCCGCCAACGGGTAGCGCTCCAAG[G>A]CCTGCGGCGCGCGCGGGGCCGCCTCGGGGCCGCCGTGGCCAAGCTGCTGCTGCTGCTGCA-3'
Protein context (NP_892017.2, residues 103-123): GPEAAPRAPQ[Ala113Val]LERYPLAAAA